The following is an entry in ClinVar:

ClinVar aggregate classification (germline): Likely benign. Review status: criteria provided, multiple submitters, no conflicts (2 of 4 stars). 4 submissions from 4 submitters: Likely benign (3). 1 of the submissions does not count toward it. Last evaluated 2026-02-03.

Conditions:
Primary ciliary dyskinesia. Also called: Ciliary dyskinesia. Identifiers: Orphanet 244, MedGen C0008780, MONDO:0016575, HP:0012265.
DNAH8-related disorder. Also called: DNAH8-related condition.

Allele frequency attached by ClinVar (database versions not stated): ESP Exome Variant Server 0.00031; gnomAD 0.00031 and 0.00033; TOPMed 0.00032; ExAC 0.00037; gnomAD exomes 0.00037 and 0.00057.
gnomAD v4.1: 877 of 1,611,372 alleles (0.054%); highest among the groups gnomAD compares: Non-Finnish European, 0.058%; 1 homozygote.

Submissions (4):

Labcorp Genetics (formerly Invitae), Labcorp
Classification: Likely benign for Primary ciliary dyskinesia. Last evaluated: 2026-02-03. Review status: criteria provided, single submitter. Criteria: Invitae Variant Classification Sherloc (09022015). Collection method: clinical testing. Allele origin: germline.

Blueprint Genetics
Classification: Likely benign. Last evaluated: 2024-11-25. Review status: criteria provided, single submitter. Criteria: ACMG Guidelines, 2015. Collection method: clinical testing. Allele origin: germline.

CeGaT Center for Human Genetics Tuebingen
Classification: Likely benign. Last evaluated: 2022-05-01. Review status: criteria provided, single submitter. Criteria: CeGaT Center For Human Genetics Tuebingen Variant Classification Criteria Version 2. Collection method: clinical testing. Allele origin: germline. Affected: yes. Observed: 1 variant allele.
Comment: DNAH8: BP4, BP7

PreventionGenetics, part of Exact Sciences
Classification: Likely benign for DNAH8-related condition. Last evaluated: 2019-04-12. Review status: no assertion criteria provided. Collection method: clinical testing. Allele origin: germline. Not counted in ClinVar's aggregate classification.
Comment: This variant is classified as likely benign based on ACMG/AMP sequence variant interpretation guidelines (Richards et al. 2015 PMID: 25741868, with internal and published modifications).

NM_001206927.2(DNAH8):c.4512C>T (p.Thr1504=)

Gene: DNAH8 (dynein axonemal heavy chain 8; plus strand). Cytogenetic location: 6p21.2.
Variant type: single nucleotide variant.
Coding change: c.4512C>T on transcript NM_001206927.2 (MANE Select); coding-DNA position 4512, C replaced by T.
Protein change: p.Thr1504=; no amino-acid change (threonine 1504 retained).
Molecular consequence: synonymous variant.
Genome position (GRCh38, 1-based): chr6:38,842,413, C>T. VCF-style: chr6-38842413-C-T. GRCh37 (hg19) VCF-style: chr6-38810189-C-T.
Other names: c.3861C>T, p.Thr1287= (NM_001371.4).
Identifiers: ClinVar variation 454572 (VCV000454572.36), dbSNP rs200564814, ClinGen allele CA3789146.
Genomic context (GRCh38, chr6:38,842,413, plus strand): 5'-TACTTTGTTTCCCAGAAAAGAACTCAACTTGCTGCAGAAGCTGTATGGATTGTATGACAC[C>T]GTAATGAGCAGTATTAGTGGTTATTATGAAATACTTTGGGGAGATGTAGATATTGAAAAA-3'
Protein context (NP_001193856.1, residues 1494-1514): LLQKLYGLYD[Thr1504=]VMSSISGYYE